The following is an entry in ClinVar:

ClinVar aggregate classification (germline): Uncertain significance (1 of 4 stars; one submission).

Submission:

GeneDx
Classification: Uncertain significance. Last evaluated: 2025-06-28. Review status: criteria provided, single submitter. Criteria: GeneDx Variant Classification Process June 2021. Collection method: clinical testing. Allele origin: germline. Affected: yes.
Comment: Not observed at significant frequency in large population cohorts (gnomAD); In silico analysis supports that this missense variant has a deleterious effect on protein structure/function; Has not been previously published as pathogenic or benign to our knowledge

NM_001371727.1(GABRB2):c.884C>T (p.Thr295Ile)

Gene: GABRB2 (gamma-aminobutyric acid type A receptor subunit beta2; minus strand). Cytogenetic location: 5q34.
Variant type: single nucleotide variant.
Coding change: c.884C>T on transcript NM_001371727.1 (MANE Select); coding-DNA position 884, C replaced by T.
Protein change: p.Thr295Ile; replaces threonine 295 with isoleucine.
Molecular consequence: missense variant.
Genome position (GRCh38, 1-based): chr5:161,331,076, G>A on the plus strand (C>T on the coding strand, the complement: GABRB2 is on the minus strand). VCF-style: chr5-161331076-G-A. GRCh37 (hg19) VCF-style: chr5-160758083-G-A.
Other names: c.884C>T, p.Thr295Ile (NM_000813.3, NM_021911.3); short protein forms T295I.
Identifiers: ClinVar variation 4540048 (VCV004540048.1).